The following is an entry in ClinVar:

ClinVar aggregate classification (germline): Uncertain significance (1 of 4 stars; one submission).

Conditions:
Familial cancer of breast. Also called: hereditary breast carcinoma; Hereditary breast cancer; BREAST CANCER, FAMILIAL. Identifiers: Orphanet 227535, MedGen C0346153, MONDO:0016419, OMIM 114480. Disease mechanism: loss of function.
Fanconi anemia complementation group J. Also called: BRIP1-Related Fanconi Anemia. Identifiers: Orphanet 84, MedGen C1836860, MONDO:0012187, OMIM 609054.

Submission:

Labcorp Genetics (formerly Invitae), Labcorp
Classification: Uncertain significance for Familial cancer of breast; Fanconi anemia complementation group J. Last evaluated: 2022-01-28. Review status: criteria provided, single submitter. Criteria: Invitae Variant Classification Sherloc (09022015). Collection method: clinical testing. Allele origin: germline.
Comment: This sequence change replaces aspartic acid, which is acidic and polar, with glutamic acid, which is acidic and polar, at codon 674 of the BRIP1 protein (p.Asp674Glu). In summary, the available evidence is currently insufficient to determine the role of this variant in disease. Therefore, it has been classified as a Variant of Uncertain Significance. Algorithms developed to predict the effect of missense changes on protein structure and function are either unavailable or do not agree on the potential impact of this missense change (SIFT: "Tolerated"; PolyPhen-2: "Probably Damaging"; Align-GVGD: "Class C0"). This variant has not been reported in the literature in individuals affected with BRIP1-related conditions. This variant is not present in population databases (gnomAD no frequency).

NM_032043.3(BRIP1):c.2022T>G (p.Asp674Glu)

Gene: BRIP1 (BRCA1 interacting DNA helicase 1; minus strand). Cytogenetic location: 17q23.2.
Variant type: single nucleotide variant.
Coding change: c.2022T>G on transcript NM_032043.3 (MANE Select); coding-DNA position 2022, T replaced by G.
Protein change: p.Asp674Glu; replaces aspartic acid 674 with glutamic acid.
Molecular consequence: missense variant.
Genome position (GRCh38, 1-based): chr17:61,776,476, A>C on the plus strand (T>G on the coding strand, the complement: BRIP1 is on the minus strand). VCF-style: chr17-61776476-A-C. GRCh37 (hg19) VCF-style: chr17-59853837-A-C.
Other names: short protein forms D674E.
Identifiers: ClinVar variation 2090595 (VCV002090595.4), dbSNP rs1555601084, ClinGen allele CA400478298.
Genomic context (GRCh38, chr17:61,776,476, plus strand): 5'-GAAACACAAAATTCCTTGGCTCACAGTCTGGCACACAGATAACAAAAGTGCTCCCACTTC[A>C]TCTTGGAACTCAAATGTTTCAGTATTCTGGAAGGTAGCACAGAGATTCCGACCCTTGGGG-3'
Protein context (NP_114432.2, residues 664-684): FQNTETFEFQ[Asp674Glu]EVGALLLSVC